The following is an entry in ClinVar:

ClinVar aggregate classification (germline): Uncertain significance. Review status: criteria provided, single submitter (1 of 4 stars). 2 submissions from 2 submitters: Uncertain significance (1). 1 of the submissions does not count toward it. Last evaluated 2021-08-30.

Conditions:
Bardet-Biedl syndrome 1 (BBS1). Identifiers: MedGen C2936862, MONDO:0008854, OMIM 209900. Disease mechanism: loss of function.
Bardet-Biedl syndrome (BBS). Identifiers: Orphanet 110, MedGen C0752166, MONDO:0015229.

Allele frequency attached by ClinVar (database versions not stated): gnomAD exomes below 0.00001; gnomAD 0.00001; TOPMed 0.00001.

Submissions (2):

Labcorp Genetics (formerly Invitae), Labcorp
Classification: Uncertain significance for Bardet-Biedl syndrome. Last evaluated: 2021-08-30. Review status: criteria provided, single submitter. Criteria: Invitae Variant Classification Sherloc (09022015). Collection method: clinical testing. Allele origin: germline.
Comment: This sequence change replaces phenylalanine with leucine at codon 236 of the BBS1 protein (p.Phe236Leu). The phenylalanine residue is highly conserved and there is a small physicochemical difference between phenylalanine and leucine. This variant is not present in population databases (ExAC no frequency). This variant has not been reported in the literature in individuals affected with BBS1-related conditions. ClinVar contains an entry for this variant (Variation ID: 990064). Algorithms developed to predict the effect of missense changes on protein structure and function are either unavailable or do not agree on the potential impact of this missense change (SIFT: "Deleterious"; PolyPhen-2: "Possibly Damaging"; Align-GVGD: "Class C15"). In summary, the available evidence is currently insufficient to determine the role of this variant in disease. Therefore, it has been classified as a Variant of Uncertain Significance.

Natera, Inc.
Classification: Uncertain significance for Bardet-Biedl syndrome type 1. Last evaluated: 2020-04-14. Review status: no assertion criteria provided. Collection method: clinical testing. Allele origin: germline. Not counted in ClinVar's aggregate classification.

NM_024649.5(BBS1):c.708C>G (p.Phe236Leu)

Gene: BBS1 (Bardet-Biedl syndrome 1; plus strand). Cytogenetic location: 11q13.2.
Variant type: single nucleotide variant.
Coding change: c.708C>G on transcript NM_024649.5 (MANE Select); coding-DNA position 708, C replaced by G.
Protein change: p.Phe236Leu; replaces phenylalanine 236 with leucine.
Molecular consequence: missense variant.
Genome position (GRCh38, 1-based): chr11:66,519,733, C>G. VCF-style: chr11-66519733-C-G. GRCh37 (hg19) VCF-style: chr11-66287204-C-G.
Other names: short protein forms F236L.
Identifiers: ClinVar variation 990064 (VCV000990064.6), dbSNP rs1482951221, ClinGen allele CA381459000.